The following is an entry in ClinVar:

NM_001844.5(COL2A1):c.610-2A>G

Gene: COL2A1 (collagen type II alpha 1 chain; minus strand). Cytogenetic location: 12q13.11.
Variant type: single nucleotide variant.
Coding change: c.610-2A>G on transcript NM_001844.5 (MANE Select); the canonical splice acceptor site of the intron before coding-DNA position 610, A replaced by G.
Molecular consequence: splice acceptor variant.
Genome position (GRCh38, 1-based): chr12:47,995,921, T>C on the plus strand (A>G on the coding strand, the complement: COL2A1 is on the minus strand). VCF-style: chr12-47995921-T-C. GRCh37 (hg19) VCF-style: chr12-48389704-T-C.
Other names: c.403-2A>G (NM_033150.3).
Identifiers: ClinVar variation 2429070 (VCV002429070.6), dbSNP rs2540175543, ClinGen allele CA384524001.

ClinVar aggregate classification (germline): Pathogenic/Likely pathogenic. Review status: criteria provided, multiple submitters, no conflicts (2 of 4 stars). 2 submissions from 2 submitters: Pathogenic (1); Likely pathogenic (1). Last evaluated 2024-11-27.

Conditions:
Spondyloepiphyseal dysplasia congenita (SEDC). Also called: SED CONGENITA; SPONDYLOEPIPHYSEAL DYSPLASIA, CONGENITAL TYPE. Identifiers: Orphanet 94068, MedGen C2745959, MONDO:0008471, OMIM 183900.

Submissions (2):

Labcorp Genetics (formerly Invitae), Labcorp
Classification: Pathogenic. Last evaluated: 2024-11-27. Review status: criteria provided, single submitter. Criteria: Invitae Variant Classification Sherloc (09022015). Collection method: clinical testing. Allele origin: germline.
Comment: This sequence change affects an acceptor splice site in intron 8 of the COL2A1 gene. It is expected to disrupt RNA splicing. Variants that disrupt the donor or acceptor splice site typically lead to a loss of protein function (PMID: 16199547), and loss-of-function variants in COL2A1 are known to be pathogenic (PMID: 20179744). This variant is not present in population databases (gnomAD no frequency). Disruption of this splice site has been observed in individual(s) with clinical features of autosomal dominant Stickler syndrome (internal data). ClinVar contains an entry for this variant (Variation ID: 2429070). Algorithms developed to predict the effect of sequence changes on RNA splicing suggest that this variant may disrupt the consensus splice site. For these reasons, this variant has been classified as Pathogenic.

Greenwood Genetic Center Diagnostic Laboratories, Greenwood Genetic Center
Classification: Likely pathogenic for Spondyloepiphyseal dysplasia congenita. Last evaluated: 2022-10-12. Review status: criteria provided, single submitter. Criteria: ACMG Guidelines, 2015. Collection method: clinical testing. Allele origin: germline. Affected: yes.
Comment: PM2, PP3_Strong

Literature cited by the submitters: PubMed 16199547 (cited by Labcorp Genetics (formerly Invitae), Labcorp); PubMed 20179744 (cited by Labcorp Genetics (formerly Invitae), Labcorp).